The following is an entry in ClinVar:

ClinVar aggregate classification (germline): Likely pathogenic (1 of 4 stars; one submission).

Conditions:
Primary ciliary dyskinesia 33. Also called: CILIARY DYSKINESIA, PRIMARY, 33, WITHOUT SITUS INVERSUS. Identifiers: Orphanet 244, MedGen C4225230, MONDO:0014750, OMIM 616726.

gnomAD v4.1: 1 of 1,612,672 alleles (0.000062%); highest among the groups gnomAD compares: Non-Finnish European, 0.000085%; no homozygotes.

Submissions (2):

Labcorp Genetics (formerly Invitae), Labcorp
Classification: Likely pathogenic for Primary ciliary dyskinesia 33. Last evaluated: 2025-08-11. Review status: criteria provided, single submitter. Criteria: Invitae Variant Classification Sherloc (09022015). Collection method: clinical testing. Allele origin: germline.
Comment: This sequence change affects a donor splice site in intron 4 of the GAS8 gene. It is expected to disrupt RNA splicing. Variants that disrupt the donor or acceptor splice site typically lead to a loss of protein function (PMID: 16199547), and loss-of-function variants in GAS8 are known to be pathogenic (PMID: 26387594). This variant is not present in population databases (gnomAD no frequency). This variant has not been reported in the literature in individuals affected with GAS8-related conditions. Algorithms developed to predict the effect of sequence changes on RNA splicing suggest that this variant may disrupt the consensus splice site. In summary, the currently available evidence indicates that the variant is pathogenic, but additional data are needed to prove that conclusively. Therefore, this variant has been classified as Likely Pathogenic.

Dr. Peter K. Rogan Lab, Western University
No classification provided (evidence only). Condition: Clear cell carcinoma of kidney. Review status: no classification provided. Collection method: in vitro. Allele origin: not applicable. Functional consequence: skipped exon, retained intron. Not counted in ClinVar's aggregate classification.

Literature cited by the submitters: PubMed 16199547 (cited by Labcorp Genetics (formerly Invitae), Labcorp); PubMed 26387594 (cited by Labcorp Genetics (formerly Invitae), Labcorp).

NM_001481.3(DRC4):c.495+1G>A

Gene: DRC4 (dynein regulatory complex subunit 4; plus strand). Cytogenetic location: 16q24.3.
Variant type: single nucleotide variant.
Coding change: c.495+1G>A on transcript NM_001481.3 (MANE Select); the canonical splice donor site of the intron after coding-DNA position 495, G replaced by A.
Molecular consequence: splice donor variant.
Genome position (GRCh38, 1-based): chr16:90,032,925, G>A. VCF-style: chr16-90032925-G-A. GRCh37 (hg19) VCF-style: chr16-90099333-G-A.
Other names: NC_000016.9:g.90099333G>A; c.420+1G>A (NM_001286209.2); c.246+1G>A (NM_001286205.2); c.-27+1G>A (NM_001286208.2).
Identifiers: ClinVar variation 4502245 (VCV004502245.2).